The following is an entry in ClinVar:

NM_014714.4(IFT140):c.3109C>T (p.Gln1037Ter)

Genes: IFT140 (intraflagellar transport 140; minus strand), LOC126862260 (CDK7 strongly-dependent group 2 enhancer GRCh37_chr16:1574508-1575707; plus strand). Cytogenetic location: 16p13.3.
Variant type: single nucleotide variant.
Coding change: c.3109C>T on transcript NM_014714.4 (MANE Select); coding-DNA position 3109, C replaced by T.
Protein change: p.Gln1037Ter; replaces glutamine 1037 with a stop codon.
Molecular consequence: nonsense.
Genome position (GRCh38, 1-based): chr16:1,524,584, G>A on the plus strand (C>T on the coding strand, the complement: IFT140 is on the minus strand). VCF-style: chr16-1524584-G-A. GRCh37 (hg19) VCF-style: chr16-1574585-G-A.
Other names: short protein forms Q1037*.
Identifiers: ClinVar variation 1328235 (VCV001328235.7), dbSNP rs774547622, ClinGen allele CA394225889.
Genomic context (GRCh38, chr16:1,524,584, plus strand): 5'-CCGGCTCCCCACCCCGGGCCCGTGGTACCTTGCACAGGCGGATGGCATTCTTGAAGGCCT[G>A]TGCCCGGGTGTAGAAGTGCACCGCCTGCCCGACCTCCTCCTGGCTCTCGTACTGGCGGGC-3'

ClinVar aggregate classification (germline): Pathogenic. Review status: criteria provided, single submitter (1 of 4 stars). 2 submissions from 2 submitters: Pathogenic (1). 1 of the submissions does not count toward it. Last evaluated 2025-04-16.

Conditions:
Saldino-Mainzer syndrome (SRTD9). Also called: CONORENAL SYNDROME; Renal dysplasia, retinal pigmentary dystrophy, cerebellar ataxia and skeletal dysplasia; SHORT-RIB THORACIC DYSPLASIA 9 WITHOUT POLYDACTYLY; short-rib thoracic dysplasia 9 with or without polydactyly. Identifiers: Orphanet 140969, MedGen C1849437, MONDO:0009964, OMIM 266920.

gnomAD v4.1: 1 of 1,611,342 alleles (0.000062%); highest among the groups gnomAD compares: South Asian, 0.0011%; no homozygotes.

Submissions (2):

Labcorp Genetics (formerly Invitae), Labcorp
Classification: Pathogenic for Saldino-Mainzer syndrome. Last evaluated: 2025-04-16. Review status: criteria provided, single submitter. Criteria: Invitae Variant Classification Sherloc (09022015). Collection method: clinical testing. Allele origin: germline.
Comment: This sequence change creates a premature translational stop signal (p.Gln1037*) in the IFT140 gene. It is expected to result in an absent or disrupted protein product. Loss-of-function variants in IFT140 are known to be pathogenic (PMID: 22503633, 23418020, 24009529, 26216056). This variant is not present in population databases (gnomAD no frequency). This variant has not been reported in the literature in individuals affected with IFT140-related conditions. ClinVar contains an entry for this variant (Variation ID: 1328235). For these reasons, this variant has been classified as Pathogenic.

Institute of Human Genetics, Cologne University
Classification: Likely pathogenic for Saldino-Mainzer syndrome. Review status: no assertion criteria provided. Collection method: clinical testing. Allele origin: unknown. Inheritance: Autosomal recessive inheritance. Affected: yes. Observed: 1 compound heterozygote. Not counted in ClinVar's aggregate classification.
Comment: compound heterozygous with c.454C>T (p.L152F)

Literature cited by the submitters: PubMed 22503633 (cited by Labcorp Genetics (formerly Invitae), Labcorp); PubMed 23418020 (cited by Labcorp Genetics (formerly Invitae), Labcorp); PubMed 24009529 (cited by Labcorp Genetics (formerly Invitae), Labcorp); PubMed 26216056 (cited by Labcorp Genetics (formerly Invitae), Labcorp).